The following is an entry in ClinVar:

ClinVar aggregate classification (germline): Uncertain significance (1 of 4 stars; one submission).

Conditions:
Dyskeratosis congenita. Identifiers: Orphanet 1775, MedGen C0265965, MONDO:0015780.

Submission:

Ambry Genetics
Classification: Uncertain significance for Dyskeratosis congenita. Last evaluated: 2025-09-23. Review status: criteria provided, single submitter. Criteria: Ambry Variant Classification Scheme 2023. Collection method: clinical testing. Allele origin: germline.
Comment: The p.S523R variant (also known as c.1569C>A), located in coding exon 2 of the TERT gene, results from a C to A substitution at nucleotide position 1569. The serine at codon 523 is replaced by arginine, an amino acid with dissimilar properties. This amino acid position is conserved. In addition, this alteration is predicted to be tolerated by in silico analysis. Based on the available evidence, the clinical significance of this variant remains unclear.

NM_198253.3(TERT):c.1569C>A (p.Ser523Arg)

Gene: TERT (telomerase reverse transcriptase; minus strand). Cytogenetic location: 5p15.33.
Variant type: single nucleotide variant.
Coding change: c.1569C>A on transcript NM_198253.3 (MANE Select); coding-DNA position 1569, C replaced by A.
Protein change: p.Ser523Arg; replaces serine 523 with arginine.
Molecular consequence: missense variant. On other transcripts: non-coding transcript variant (2).
Genome position (GRCh38, 1-based): chr5:1,293,317, G>T on the plus strand (C>A on the coding strand, the complement: TERT is on the minus strand). VCF-style: chr5-1293317-G-T. GRCh37 (hg19) VCF-style: chr5-1293432-G-T.
Other names: c.1569C>A, p.Ser523Arg (NM_001193376.3); short protein forms S523R.
Identifiers: ClinVar variation 4561517 (VCV004561517.1).